The following is an entry in ClinVar:

NM_001164277.2(SLC37A4):c.949C>G (p.Leu317Val)

Gene: SLC37A4 (solute carrier family 37 member 4; minus strand). Cytogenetic location: 11q23.3.
Variant type: single nucleotide variant.
Coding change: c.949C>G on transcript NM_001164277.2 (MANE Select); coding-DNA position 949, C replaced by G.
Protein change: p.Leu317Val; replaces leucine 317 with valine.
Molecular consequence: missense variant.
Genome position (GRCh38, 1-based): chr11:119,026,002, G>C on the plus strand (C>G on the coding strand, the complement: SLC37A4 is on the minus strand). VCF-style: chr11-119026002-G-C. GRCh37 (hg19) VCF-style: chr11-118896712-G-C.
Other names: c.949C>G, p.Leu317Val (NM_001164278.2, NM_001164280.2, NM_001467.6); c.730C>G, p.Leu244Val (NM_001164279.2); short protein forms L317V, L244V.
Identifiers: ClinVar variation 2919430 (VCV002919430.3), dbSNP rs2497017492, ClinGen allele CA382897406.

ClinVar aggregate classification (germline): Uncertain significance (1 of 4 stars; one submission).

Conditions:
Glucose-6-phosphate transport defect (GSD1B). Also called: Glycogen Storage Disease Type Ib; GSD Ib. Identifiers: Orphanet 364, Orphanet 79259, MedGen C0268146, MONDO:0009288, OMIM 232220.

Submission:

Labcorp Genetics (formerly Invitae), Labcorp
Classification: Uncertain significance for Glucose-6-phosphate transport defect. Last evaluated: 2024-01-08. Review status: criteria provided, single submitter. Criteria: Invitae Variant Classification Sherloc (09022015). Collection method: clinical testing. Allele origin: germline.
Comment: This sequence change replaces leucine, which is neutral and non-polar, with valine, which is neutral and non-polar, at codon 317 of the SLC37A4 protein (p.Leu317Val). This variant is not present in population databases (gnomAD no frequency). This variant has not been reported in the literature in individuals affected with SLC37A4-related conditions. Advanced modeling of protein sequence and biophysical properties (such as structural, functional, and spatial information, amino acid conservation, physicochemical variation, residue mobility, and thermodynamic stability) performed at Invitae indicates that this missense variant is not expected to disrupt SLC37A4 protein function with a negative predictive value of 80%. In summary, the available evidence is currently insufficient to determine the role of this variant in disease. Therefore, it has been classified as a Variant of Uncertain Significance.